The following is an entry in ClinVar:

NM_001098511.3(KIF2A):c.715C>T (p.Gln239Ter)

Gene: KIF2A (kinesin family member 2A; plus strand). Cytogenetic location: 5q12.1.
Variant type: single nucleotide variant.
Coding change: c.715C>T on transcript NM_001098511.3 (MANE Select); coding-DNA position 715, C replaced by T.
Protein change: p.Gln239Ter; replaces glutamine 239 with a stop codon.
Molecular consequence: nonsense.
Genome position (GRCh38, 1-based): chr5:62,358,142, C>T. VCF-style: chr5-62358142-C-T. GRCh37 (hg19) VCF-style: chr5-61653969-C-T.
Other names: c.658C>T, p.Gln220Ter (NM_001243953.2); c.715C>T, p.Gln239Ter (NM_004520.5); c.634C>T, p.Gln212Ter (NM_001243952.2); short protein forms Q212*, Q220*, Q239*.
Identifiers: ClinVar variation 2578181 (VCV002578181.1), dbSNP rs2531344461, ClinGen allele CA359949718.
Genomic context (GRCh38, chr5:62,358,142, plus strand): 5'-ATGAACTCAAATGCTGTGAAAATTATTGGGCATTGATTTTCATTTATTCTTTTAGAAACT[C>T]AAATGAAAGATCTTGATGTAATCACAATTCCTAGTAAAGATGTTGTGATGGTACATGAAC-3'

ClinVar aggregate classification (germline): Uncertain significance (1 of 4 stars; one submission).

Submission:

GeneDx
Classification: Uncertain significance. Last evaluated: 2023-02-28. Review status: criteria provided, single submitter. Criteria: GeneDx Variant Classification Process June 2021. Collection method: clinical testing. Allele origin: germline. Affected: yes.
Comment: Nonsense variant predicted to result in protein truncation or nonsense mediated decay in a gene or region of a gene for which loss of function is not a well-established mechanism of disease; Not observed at significant frequency in large population cohorts (gnomAD); Has not been previously published as pathogenic or benign to our knowledge